The following is an entry in ClinVar:

NM_005633.4(SOS1):c.33C>G (p.Phe11Leu)

Genes: SOS1 (SOS Ras/Rac guanine nucleotide exchange factor 1; minus strand), LOC129933535 (ATAC-STARR-seq lymphoblastoid silent region 11384; plus strand). Cytogenetic location: 2p22.1.
Variant type: single nucleotide variant.
Coding change: c.33C>G on transcript NM_005633.4 (MANE Select); coding-DNA position 33, C replaced by G.
Protein change: p.Phe11Leu; replaces phenylalanine 11 with leucine.
Molecular consequence: missense variant. On other transcripts: intron variant (1).
Genome position (GRCh38, 1-based): chr2:39,120,390, G>C on the plus strand (C>G on the coding strand, the complement: SOS1 is on the minus strand). VCF-style: chr2-39120390-G-C. GRCh37 (hg19) VCF-style: chr2-39347531-G-C.
Other names: c.33C>G, p.Phe11Leu (NM_001382395.1); c.66+4274C>G (NM_001382394.1); short protein forms F11L.
Identifiers: ClinVar variation 853354 (VCV000853354.10), dbSNP rs1673826225, ClinGen allele CA346374725.

ClinVar aggregate classification (germline): Uncertain significance (1 of 4 stars; one submission).

Conditions:
RASopathy. Also called: rasopathies; Noonan spectrum disorder. Identifiers: Orphanet 536391, MedGen C5555857, MONDO:0021060.

Submission:

Labcorp Genetics (formerly Invitae), Labcorp
Classification: Uncertain significance for RASopathy. Last evaluated: 2020-02-10. Review status: criteria provided, single submitter. Criteria: Invitae Variant Classification Sherloc (09022015). Collection method: clinical testing. Allele origin: germline.
Comment: This sequence change replaces phenylalanine with leucine at codon 11 of the SOS1 protein (p.Phe11Leu). The phenylalanine residue is weakly conserved and there is a small physicochemical difference between phenylalanine and leucine. This variant is not present in population databases (ExAC no frequency). This variant has not been reported in the literature in individuals with SOS1-related conditions. Algorithms developed to predict the effect of missense changes on protein structure and function (SIFT, PolyPhen-2, Align-GVGD) all suggest that this variant is likely to be tolerated, but these predictions have not been confirmed by published functional studies and their clinical significance is uncertain. In summary, the available evidence is currently insufficient to determine the role of this variant in disease. Therefore, it has been classified as a Variant of Uncertain Significance.